The following is an entry in ClinVar:

NM_020365.5(EIF2B3):c.271C>T (p.Arg91Cys)

Gene: EIF2B3 (eukaryotic translation initiation factor 2B subunit gamma; minus strand). Cytogenetic location: 1p34.1.
Variant type: single nucleotide variant.
Coding change: c.271C>T on transcript NM_020365.5 (MANE Select); coding-DNA position 271, C replaced by T.
Protein change: p.Arg91Cys; replaces arginine 91 with cysteine.
Molecular consequence: missense variant.
Genome position (GRCh38, 1-based): chr1:44,978,338, G>A on the plus strand (C>T on the coding strand, the complement: EIF2B3 is on the minus strand). VCF-style: chr1-44978338-G-A. GRCh37 (hg19) VCF-style: chr1-45444010-G-A.
Other names: c.271C>T, p.Arg91Cys (NM_001166588.3, NM_001261418.2); short protein forms R91C.
Identifiers: ClinVar variation 2141399 (VCV002141399.1), dbSNP rs772111952, ClinGen allele CA824071.

ClinVar aggregate classification (germline): Uncertain significance (1 of 4 stars; one submission).

Allele frequency attached by ClinVar (database versions not stated): ExAC 0.00001; gnomAD exomes 0.00002; gnomAD 0.00005; TOPMed 0.00008.
gnomAD v4.1: 41 of 1,613,856 alleles (0.0025%); highest among the groups gnomAD compares: African/African-American, 0.013%; 1 homozygote.

Submission:

Labcorp Genetics (formerly Invitae), Labcorp
Classification: Uncertain significance. Last evaluated: 2022-06-20. Review status: criteria provided, single submitter. Criteria: Invitae Variant Classification Sherloc (09022015). Collection method: clinical testing. Allele origin: germline.
Comment: This sequence change replaces arginine, which is basic and polar, with cysteine, which is neutral and slightly polar, at codon 91 of the EIF2B3 protein (p.Arg91Cys). This variant is present in population databases (rs772111952, gnomAD 0.02%). This variant has not been reported in the literature in individuals affected with EIF2B3-related conditions. Algorithms developed to predict the effect of missense changes on protein structure and function are either unavailable or do not agree on the potential impact of this missense change (SIFT: "Deleterious"; PolyPhen-2: "Benign"; Align-GVGD: "Class C35"). In summary, the available evidence is currently insufficient to determine the role of this variant in disease. Therefore, it has been classified as a Variant of Uncertain Significance.